The following is an entry in ClinVar:

NM_012330.4(KAT6B):c.3349C>T (p.Gln1117Ter)

Gene: KAT6B (lysine acetyltransferase 6B; plus strand). Cytogenetic location: 10q22.2.
Variant type: single nucleotide variant.
Coding change: c.3349C>T on transcript NM_012330.4 (MANE Select); coding-DNA position 3349, C replaced by T.
Protein change: p.Gln1117Ter; replaces glutamine 1117 with a stop codon.
Molecular consequence: nonsense.
Genome position (GRCh38, 1-based): chr10:75,022,208, C>T. VCF-style: chr10-75022208-C-T. GRCh37 (hg19) VCF-style: chr10-76781966-C-T.
Other names: c.2800C>T, p.Gln934Ter (NM_001256468.2, NM_001370138.1); c.2473C>T, p.Gln825Ter (NM_001256469.2, NM_001370139.1, NM_001370140.1 and 2 more transcripts); c.2311C>T, p.Gln771Ter (NM_001370132.1); c.1660C>T, p.Gln554Ter (NM_001370133.1); c.1264C>T, p.Gln422Ter (NM_001370134.1); c.1006C>T, p.Gln336Ter (NM_001370135.1); c.3349C>T, p.Gln1117Ter (NM_001370136.1, NM_001370137.1); c.2284C>T, p.Gln762Ter (NM_001370143.1, NM_001370144.1); short protein forms Q1117*, Q762*, Q771*, Q934*, Q336*, Q422*, Q554*, Q825*.
Identifiers: ClinVar variation 450178 (VCV000450178.6), dbSNP rs1554843977, ClinGen allele CA377285027.

ClinVar aggregate classification (germline): Pathogenic. Review status: criteria provided, multiple submitters, no conflicts (2 of 4 stars). 2 submissions from 2 submitters: Pathogenic (2). Last evaluated 2023-09-18.

Conditions:
Intellectual disability. Also called: Intellectual developmental disorder; Intellectual functioning disability; intellectual disabilities. Identifiers: MedGen C3714756, MeSH D008607, MONDO:0001071, HP:0001249.

Submissions (2):

GeneDx
Classification: Pathogenic. Last evaluated: 2023-09-18. Review status: criteria provided, single submitter. Criteria: GeneDx Variant Classification Process June 2021. Collection method: clinical testing. Allele origin: germline. Affected: yes.
Comment: Nonsense variant predicted to result in protein truncation or nonsense mediated decay in a gene for which loss-of-function is a known mechanism of disease; Not observed in large population cohorts (gnomAD); This variant is associated with the following publications: (PMID: 34519438)

Diagnostic Laboratory, Strasbourg University Hospital
Classification: Pathogenic for Intellectual disability. Last evaluated: 2020-04-20. Review status: criteria provided, single submitter. Criteria: ACMG Guidelines, 2015. Collection method: clinical testing. Allele origin: de novo. Inheritance: Autosomal dominant inheritance. Affected: yes. Observed: 1 heterozygote.